The following is an entry in ClinVar:

NM_017636.4(TRPM4):c.607C>T (p.Pro203Ser)

Gene: TRPM4 (transient receptor potential cation channel subfamily M member 4; plus strand). Cytogenetic location: 19q13.33.
Variant type: single nucleotide variant.
Coding change: c.607C>T on transcript NM_017636.4 (MANE Select); coding-DNA position 607, C replaced by T.
Protein change: p.Pro203Ser; replaces proline 203 with serine.
Molecular consequence: missense variant. On other transcripts: intron variant (2), 5 prime UTR variant (1).
Genome position (GRCh38, 1-based): chr19:49,168,418, C>T. VCF-style: chr19-49168418-C-T. GRCh37 (hg19) VCF-style: chr19-49671675-C-T.
Other names: c.-237-135C>T (NM_001321285.2); c.607C>T, p.Pro203Ser (NM_001195227.2); c.-947C>T (NM_001321282.2); c.85C>T, p.Pro29Ser (NM_001321283.2); c.268-135C>T (NM_001321281.2); short protein forms P29S, P203S.
Identifiers: ClinVar variation 5031148 (VCV005031148.1).

ClinVar aggregate classification (germline): Uncertain significance (1 of 4 stars; one submission).

Conditions:
Cardiovascular phenotype. Identifiers: MedGen CN230736.

gnomAD v4.1: 1 of 1,613,978 alleles (0.000062%); no homozygotes.

Submission:

Ambry Genetics
Classification: Uncertain significance for Cardiovascular phenotype. Last evaluated: 2026-06-22. Review status: criteria provided, single submitter. Criteria: Ambry Variant Classification Scheme 2023. Collection method: clinical testing. Allele origin: germline.
Comment: The p.P203S variant (also known as c.607C>T), located in coding exon 5 of the TRPM4 gene, results from a C to T substitution at nucleotide position 607. The proline at codon 203 is replaced by serine, an amino acid with similar properties. This amino acid position is conserved. In addition, this alteration is predicted to be tolerated by in silico analysis. Based on the available evidence, the clinical significance of this variant remains unclear.